The following is an entry in ClinVar:

ClinVar aggregate classification (germline): Uncertain significance (1 of 4 stars; one submission).

Conditions:
Hereditary cancer-predisposing syndrome. Also called: Neoplastic Syndromes, Hereditary; Tumor predisposition; Hereditary neoplastic syndrome; Hereditary Cancer Syndrome. Identifiers: Orphanet 140162, MedGen C0027672, MeSH D009386, MONDO:0015356.

Submission:

Ambry Genetics
Classification: Uncertain significance for Hereditary cancer-predisposing syndrome. Last evaluated: 2026-07-06. Review status: criteria provided, single submitter. Criteria: Ambry Variant Classification Scheme 2023. Collection method: clinical testing. Allele origin: germline.
Comment: The p.K248T variant (also known as c.743A>C), located in coding exon 1 of the MET gene, results from an A to C substitution at nucleotide position 743. The lysine at codon 248 is replaced by threonine, an amino acid with similar properties. This amino acid position is conserved. In addition, this alteration is predicted to be tolerated by in silico analysis. Based on the available evidence, the clinical significance of this variant remains unclear.

NM_000245.4(MET):c.743A>C (p.Lys248Thr)

Gene: MET (MET proto-oncogene, receptor tyrosine kinase; plus strand). Cytogenetic location: 7q31.2.
Variant type: single nucleotide variant.
Coding change: c.743A>C on transcript NM_000245.4 (MANE Select); coding-DNA position 743, A replaced by C.
Protein change: p.Lys248Thr; replaces lysine 248 with threonine.
Molecular consequence: missense variant. On other transcripts: intron variant (1).
Genome position (GRCh38, 1-based): chr7:116,699,827, A>C. VCF-style: chr7-116699827-A-C. GRCh37 (hg19) VCF-style: chr7-116339881-A-C.
Other names: c.743A>C, p.Lys248Thr (NM_001127500.3, NM_001324401.3); c.-91+27250A>C (NM_001324402.2); short protein forms K248T.
Identifiers: ClinVar variation 5024354 (VCV005024354.1).